The following is an entry in ClinVar:

ClinVar aggregate classification (germline): Benign. Review status: criteria provided, multiple submitters, no conflicts (2 of 4 stars). 2 submissions from 2 submitters: Benign (2). Last evaluated 2018-06-20.

Allele frequency attached by ClinVar (database versions not stated): gnomAD exomes 0.00324 and 0.00761; ExAC 0.00931; gnomAD 0.02687 and 0.02874; ESP Exome Variant Server 0.03162; 1000 Genomes Project 30x 0.03279; 1000 Genomes Project 0.03295.
gnomAD v4.1: 8,754 of 1,603,790 alleles (0.55%); highest among the groups gnomAD compares: African/African-American, 9.4%; 592 homozygotes.

Submissions (2):

GeneDx
Classification: Benign. Last evaluated: 2018-06-20. Review status: criteria provided, single submitter. Criteria: GeneDx Variant Classification (06012015). Collection method: clinical testing. Allele origin: germline. Affected: yes.
Comment: This variant is considered likely benign or benign based on one or more of the following criteria: it is a conservative change, it occurs at a poorly conserved position in the protein, it is predicted to be benign by multiple in silico algorithms, and/or has population frequency not consistent with disease.

Breakthrough Genomics
Classification: Benign. Review status: criteria provided, single submitter. Criteria: ACMG Guidelines, 2015. Collection method: not provided. Allele origin: germline. Inheritance: Autosomal dominant inheritance. Affected: yes.

NM_002016.2(FLG):c.9520A>G (p.Ser3174Gly)

Genes: CCDST (cervical cancer associated DHX9 suppressive transcript; plus strand), FLG (filaggrin; minus strand). Cytogenetic location: 1q21.3.
Variant type: single nucleotide variant.
Coding change: c.9520A>G on transcript NM_002016.2 (MANE Select); coding-DNA position 9520, A replaced by G.
Protein change: p.Ser3174Gly; replaces serine 3174 with glycine.
Molecular consequence: missense variant.
Genome position (GRCh38, 1-based): chr1:152,305,366, T>C on the plus strand (A>G on the coding strand, the complement: FLG is on the minus strand). VCF-style: chr1-152305366-T-C. GRCh37 (hg19) VCF-style: chr1-152277842-T-C.
Other names: short protein forms S3174G.
Identifiers: ClinVar variation 681084 (VCV000681084.2), dbSNP rs74925349, ClinGen allele CA1103806.
Genomic context (GRCh38, chr1:152,305,366, plus strand): 5'-GTCTAGAGATGTCGGCATGAGTGGAAGCTTCATGGTGACGTGACACTGAGTGCCTGGAGC[T>C]GTCTCCTGATTGTTCCTCATTACGTGTTGTTCTGCTTGCACTTCTGGATCCTGACTGCCC-3'
Protein context (NP_002007.1, residues 3164-3184): TTRNEEQSGD[Ser3174Gly]SRHSVSRHHE